The following is an entry in ClinVar:

ClinVar aggregate classification (germline): Uncertain significance. Review status: criteria provided, multiple submitters, no conflicts (2 of 4 stars). 2 submissions from 2 submitters: Uncertain significance (2). Last evaluated 2026-04-28.

Conditions:
Ataxia-telangiectasia syndrome (AT). Also called: Ataxia-telangiectasia, complementation group D; AT, COMPLEMENTATION GROUP C; ATAXIA-TELANGIECTASIA, COMPLEMENTATION GROUP A; ATAXIA-TELANGIECTASIA, FRESNO VARIANT; Ataxia-telangiectasia; LOUIS-BAR SYNDROME. Identifiers: Orphanet 100, MedGen C0004135, MONDO:0008840, OMIM 208900.
Hereditary cancer-predisposing syndrome. Also called: Tumor predisposition; Hereditary neoplastic syndrome; Neoplastic Syndromes, Hereditary; Hereditary Cancer Syndrome. Identifiers: Orphanet 140162, MedGen C0027672, MeSH D009386, MONDO:0015356.

Submissions (2):

Ambry Genetics
Classification: Uncertain significance for Hereditary cancer-predisposing syndrome. Last evaluated: 2026-04-28. Review status: criteria provided, single submitter. Criteria: Ambry Variant Classification Scheme 2023. Collection method: clinical testing. Allele origin: germline.
Comment: The p.Q2733R variant (also known as c.8198A>G), located in coding exon 55 of the ATM gene, results from an A to G substitution at nucleotide position 8198. The glutamine at codon 2733 is replaced by arginine, an amino acid with highly similar properties. This amino acid position is conserved. In addition, this alteration is predicted to be tolerated by in silico analysis. Based on the available evidence, the clinical significance of this variant remains unclear.

Labcorp Genetics (formerly Invitae), Labcorp
Classification: Uncertain significance for Ataxia-telangiectasia syndrome. Last evaluated: 2024-04-29. Review status: criteria provided, single submitter. Criteria: Invitae Variant Classification Sherloc (09022015). Collection method: clinical testing. Allele origin: germline.
Comment: This sequence change replaces glutamine, which is neutral and polar, with arginine, which is basic and polar, at codon 2733 of the ATM protein (p.Gln2733Arg). This variant is not present in population databases (gnomAD no frequency). This variant has not been reported in the literature in individuals affected with ATM-related conditions. ClinVar contains an entry for this variant (Variation ID: 639568). An algorithm developed to predict the effect of missense changes on protein structure and function (PolyPhen-2) suggests that this variant is likely to be tolerated. In summary, the available evidence is currently insufficient to determine the role of this variant in disease. Therefore, it has been classified as a Variant of Uncertain Significance.

NM_000051.4(ATM):c.8198A>G (p.Gln2733Arg)

Genes: ATM (ATM serine/threonine kinase; plus strand), C11orf65 (chromosome 11 open reading frame 65; minus strand). Cytogenetic location: 11q22.3.
Variant type: single nucleotide variant.
Coding change: c.8198A>G on transcript NM_000051.4 (MANE Select); coding-DNA position 8198, A replaced by G.
Protein change: p.Gln2733Arg; replaces glutamine 2733 with arginine.
Molecular consequence: missense variant. On other transcripts: intron variant (2).
Genome position (GRCh38, 1-based): chr11:108,335,891, A>G. VCF-style: chr11-108335891-A-G. GRCh37 (hg19) VCF-style: chr11-108206618-A-G.
Other names: c.8198A>G, p.Gln2733Arg (NM_001351834.2); c.641-26820T>C (NM_001330368.2); c.695-599T>C (NM_001351110.2); short protein forms Q2733R.
Identifiers: ClinVar variation 639568 (VCV000639568.10), dbSNP rs1591198624, ClinGen allele CA382562553.